The following is an entry in ClinVar:

ClinVar aggregate classification (germline): Benign. Review status: criteria provided, multiple submitters, no conflicts (2 of 4 stars). 2 submissions from 2 submitters: Benign (2). Last evaluated 2018-06-14.

Allele frequency attached by ClinVar (database versions not stated): TOPMed 0.58377; gnomAD 0.58574 and 0.58674; 1000 Genomes Project 0.61342; 1000 Genomes Project 30x 0.61352.
gnomAD v4.1: 344,237 of 613,440 alleles (56%); highest among the groups gnomAD compares: African/African-American, 68%; 97,734 homozygotes.

Submissions (2):

GeneDx
Classification: Benign. Last evaluated: 2018-06-14. Review status: criteria provided, single submitter. Criteria: GeneDx Variant Classification (06012015). Collection method: clinical testing. Allele origin: germline. Affected: yes.
Comment: This variant is considered likely benign or benign based on one or more of the following criteria: it is a conservative change, it occurs at a poorly conserved position in the protein, it is predicted to be benign by multiple in silico algorithms, and/or has population frequency not consistent with disease.

Breakthrough Genomics
Classification: Benign. Review status: criteria provided, single submitter. Criteria: ACMG Guidelines, 2015. Collection method: not provided. Allele origin: germline. Inheritance: Autosomal recessive inheritance. Affected: yes.

NM_153676.4(USH1C):c.37-243A>G

Gene: USH1C (USH1 protein network component harmonin; minus strand). Cytogenetic location: 11p15.1.
Variant type: single nucleotide variant.
Coding change: c.37-243A>G on transcript NM_153676.4 (MANE Select); 243 bases into the intron before coding-DNA position 37, A replaced by G.
Molecular consequence: intron variant.
Genome position (GRCh38, 1-based): chr11:17,533,565, T>C on the plus strand (A>G on the coding strand, the complement: USH1C is on the minus strand). VCF-style: chr11-17533565-T-C. GRCh37 (hg19) VCF-style: chr11-17555112-T-C.
Other names: c.37-243A>G (NM_001297764.2, NM_005709.4).
Identifiers: ClinVar variation 678906 (VCV000678906.2), dbSNP rs2883581, ClinGen allele CA13375187.